The following is an entry in ClinVar:

NM_000719.7(CACNA1C):c.3599G>A (p.Arg1200Gln)

Gene: CACNA1C (calcium voltage-gated channel subunit alpha1 C; plus strand). Cytogenetic location: 12p13.33.
Variant type: single nucleotide variant.
Coding change: c.3599G>A on transcript NM_000719.7 (MANE Select); coding-DNA position 3599, G replaced by A.
Protein change: p.Arg1200Gln; replaces arginine 1200 with glutamine.
Molecular consequence: missense variant.
Genome position (GRCh38, 1-based): chr12:2,610,581, G>A. VCF-style: chr12-2610581-G-A. GRCh37 (hg19) VCF-style: chr12-2719747-G-A.
Other names: c.3659G>A, p.Arg1220Gln (NM_001129827.2, NM_001129832.2, NM_199460.4); c.3599G>A, p.Arg1200Gln (NM_001129829.2, NM_001129830.3, NM_001129831.2 and 15 more transcripts); c.3590G>A, p.Arg1197Gln (NM_001129844.2); short protein forms R1220Q, R1200Q, R1197Q.
Identifiers: ClinVar variation 647442 (VCV000647442.12), dbSNP rs369686855, ClinGen allele CA6389266.

ClinVar aggregate classification (germline): Uncertain significance. Review status: criteria provided, multiple submitters, no conflicts (2 of 4 stars). 3 submissions from 3 submitters: Uncertain significance (3). Last evaluated 2025-07-31.

Conditions:
Cardiovascular phenotype. Identifiers: MedGen CN230736.
Long QT syndrome (LQTS). Identifiers: MedGen C0023976, MeSH D008133, MONDO:0002442. Disease mechanism: loss of function. Inheritance: Various modes of inheritance.

Allele frequency attached by ClinVar (database versions not stated): gnomAD exomes below 0.00001 and 0.00001; ExAC 0.00001; gnomAD 0.00001 and 0.00002; TOPMed 0.00003; ESP Exome Variant Server 0.00008.
gnomAD v4.1: 12 of 1,613,918 alleles (0.00074%); highest among the groups gnomAD compares: Admixed American, 0.0033%; no homozygotes.

Submissions (3):

Ambry Genetics
Classification: Uncertain significance for Cardiovascular phenotype. Last evaluated: 2025-07-31. Review status: criteria provided, single submitter. Criteria: Ambry Variant Classification Scheme 2023. Collection method: clinical testing. Allele origin: germline.
Comment: The p.R1200Q variant (also known as c.3599G>A), located in coding exon 28 of the CACNA1C gene, results from a G to A substitution at nucleotide position 3599. The arginine at codon 1200 is replaced by glutamine, an amino acid with highly similar properties. This amino acid position is highly conserved in available vertebrate species. In addition, this alteration is predicted to be deleterious by in silico analysis. Based on the available evidence, the clinical significance of this variant remains unclear.

Labcorp Genetics (formerly Invitae), Labcorp
Classification: Uncertain significance for Long QT syndrome. Last evaluated: 2025-05-26. Review status: criteria provided, single submitter. Criteria: Invitae Variant Classification Sherloc (09022015). Collection method: clinical testing. Allele origin: germline.
Comment: This sequence change replaces arginine, which is basic and polar, with glutamine, which is neutral and polar, at codon 1200 of the CACNA1C protein (p.Arg1200Gln). This variant is present in population databases (rs369686855, gnomAD 0.007%). This variant has not been reported in the literature in individuals affected with CACNA1C-related conditions. ClinVar contains an entry for this variant (Variation ID: 647442). Invitae Evidence Modeling of protein sequence and biophysical properties (such as structural, functional, and spatial information, amino acid conservation, physicochemical variation, residue mobility, and thermodynamic stability) has been performed for this missense variant. However, the output from this modeling did not meet the statistical confidence thresholds required to predict the impact of this variant on CACNA1C protein function. In summary, the available evidence is currently insufficient to determine the role of this variant in disease. Therefore, it has been classified as a Variant of Uncertain Significance.

AiLife Diagnostics
Classification: Uncertain significance. Last evaluated: 2022-01-11. Review status: criteria provided, single submitter. Criteria: ACMG Guidelines, 2015. Collection method: clinical testing. Allele origin: germline. Affected: yes. Observed: 1 variant allele.